The following is an entry in ClinVar:

NM_000516.7(GNAS):c.1018_1020dup (p.Phe340_Ile341insPhe)

Gene: GNAS (GNAS complex locus; plus strand). Cytogenetic location: 20q13.32.
Variant type: Duplication.
Coding change: c.1018_1020dup on transcript NM_000516.7 (MANE Select); coding-DNA positions 1018 to 1020, 3 bases duplicated (TTC; older notation c.1018_1020dupTTC).
Protein change: p.Phe340_Ile341insPhe.
Molecular consequence: inframe insertion. On other transcripts: 3 prime UTR variant (2).
Genome position (GRCh38, 1-based): chr20:58,910,381-58,910,383, TTC duplicated; duplicating any 3 consecutive bases within chr20:58,910,380-58,910,383 gives the same sequence; the c. name uses the placement nearest the transcript's 3' end. VCF-style (leftmost placement, unchanged base first): chr20-58910379-A-ACTT. GRCh37 (hg19) VCF-style: chr20-57485434-A-ACTT.
Other names: c.1021_1023dup, p.Phe341_Ile342insPhe (NM_001077488.5); c.973_975dup, p.Phe325_Ile326insPhe (NM_001077489.4); c.*879_*881dup (NM_001077490.3); c.841_843dup, p.Phe281_Ile282insPhe (NM_001309840.2, NM_001309861.2); c.922_924dup, p.Phe308_Ile309insPhe (NM_001410912.1); c.2902_2904dup, p.Phe968_Ile969insPhe (NM_001410913.1); c.*924_*926dup (NM_016592.5); c.2947_2949dup, p.Phe983_Ile984insPhe (NM_080425.4); and 1 more.
Identifiers: ClinVar variation 2630190 (VCV002630190.2), dbSNP rs2517284734, ClinGen allele CA2695201416.

ClinVar aggregate classification (germline): Likely pathogenic (0 of 4 stars; one submission).

Conditions:
GNAS-related disorder. Identifiers: MedGen CN380105.

Submission:

PreventionGenetics, part of Exact Sciences
Classification: Likely pathogenic for GNAS-related condition. Last evaluated: 2024-03-22. Review status: no assertion criteria provided. Collection method: clinical testing. Allele origin: germline.
Comment: The GNAS c.1018_1020dupTTC variant is predicted to result in an in-frame duplication (p.Phe340dup). To our knowledge, this variant has not been reported in the literature or in a large population database, indicating it is rare. A substitution of this amino acid position (c.1018T>C, p.Phe340Leu) has been reported in a patient with congenital hypothyroidism, indicating the p.Phe340 residue may relevant for protein function (Long et al 2018. PubMed ID: 30022773). This variant is interpreted as likely pathogenic.